The following is an entry in ClinVar:

ClinVar aggregate classification (germline): Uncertain significance (1 of 4 stars; one submission).

Conditions:
Age related macular degeneration 4. Identifiers: MedGen C1853147, MONDO:0012540, OMIM 610698.

Submission:

Genomenon, Inc
Classification: Uncertain significance for Age related macular degeneration 4. Last evaluated: 2026-09-17. Review status: criteria provided, single submitter. Criteria: Genomenon Sequence Variant Interpretation Standards - Updated. Collection method: curation. Allele origin: germline. Affected: yes.
Comment: CFH p.Cys416Trp (c.1248C>G) is a missense variant that changes the amino acid at codon 416 from cysteine to tryptophan. This variant has been observed in at least one proband affected with age-related macular degeneration (PMID: 29888403). Functional studies have been reported (PMID: 34508573). It is absent or not present at a significant frequency in gnomAD. In silico models predict that this variant is possibly or probably damaging. In conclusion, we classify CFH p.Cys416Trp (c.1248C>G) as a variant of uncertain significance.

Literature cited by the submitters: PubMed 29888403; PubMed 34508573.

NM_000186.4(CFH):c.1248C>G (p.Cys416Trp)

Gene: CFH (complement factor H; plus strand). Cytogenetic location: 1q31.3.
Variant type: single nucleotide variant.
Coding change: c.1248C>G on transcript NM_000186.4 (MANE Select); coding-DNA position 1248, C replaced by G.
Protein change: p.Cys416Trp; replaces cysteine 416 with tryptophan.
Molecular consequence: missense variant.
Genome position (GRCh38, 1-based): chr1:196,690,151, C>G. VCF-style: chr1-196690151-C-G. GRCh37 (hg19) VCF-style: chr1-196659281-C-G.
Other names: c.1248C>G, p.Cys416Trp (NM_001014975.3); short protein forms C416W.
Identifiers: ClinVar variation 4291378 (VCV004291378.2).